The following is an entry in ClinVar:

NM_001035.3(RYR2):c.3521T>G (p.Met1174Arg)

Gene: RYR2 (ryanodine receptor 2; plus strand). Cytogenetic location: 1q43.
Variant type: single nucleotide variant.
Coding change: c.3521T>G on transcript NM_001035.3 (MANE Select); coding-DNA position 3521, T replaced by G.
Protein change: p.Met1174Arg; replaces methionine 1174 with arginine.
Molecular consequence: missense variant.
Genome position (GRCh38, 1-based): chr1:237,569,242, T>G. VCF-style: chr1-237569242-T-G. GRCh37 (hg19) VCF-style: chr1-237732542-T-G.
Other names: c.3521T>G (NM_001035.2); short protein forms M1174R.
Identifiers: ClinVar variation 2165150 (VCV002165150.5), dbSNP rs1398104994, ClinGen allele CA345390462.

ClinVar aggregate classification (germline): Conflicting classifications of pathogenicity. Review status: criteria provided, conflicting classifications (1 of 4 stars). 3 submissions from 3 submitters: Uncertain significance (2); Likely benign (1). Last evaluated 2026-05-29.

Conditions:
Cardiovascular phenotype. Identifiers: MedGen CN230736.
Catecholaminergic polymorphic ventricular tachycardia 1. Also called: VENTRICULAR TACHYCARDIA, STRESS-INDUCED POLYMORPHIC 1; VENTRICULAR TACHYCARDIA, CATECHOLAMINERGIC POLYMORPHIC, 1, WITH OR WITHOUT ATRIAL DYSFUNCTION AND/OR DILATED CARDIOMYOPATHY; RYR2-Related Catecholaminergic Polymorphic Ventricular Tachycardia. Identifiers: Orphanet 3286, MedGen C1631597, MONDO:0011484, OMIM 604772.
Cardiomyopathy (CMYO). Also called: Cardiomyopathies. Identifiers: Orphanet 167848, MedGen C0878544, MONDO:0004994, HP:0001638. Inheritance: Various modes of inheritance.

Allele frequency attached by ClinVar (database versions not stated): TOPMed below 0.00001.

Submissions (3):

Ambry Genetics
Classification: Uncertain significance for Cardiovascular phenotype. Last evaluated: 2026-05-29. Review status: criteria provided, single submitter. Criteria: Ambry Variant Classification Scheme 2023. Collection method: clinical testing. Allele origin: germline.
Comment: The p.M1174R variant (also known as c.3521T>G), located in coding exon 29 of the RYR2 gene, results from a T to G substitution at nucleotide position 3521. The methionine at codon 1174 is replaced by arginine, an amino acid with similar properties. This amino acid position is well conserved in available vertebrate species. In addition, the in silico prediction for this alteration is inconclusive. Based on the available evidence, the clinical significance of this variant remains unclear.

Color Diagnostics, LLC DBA Color Health
Classification: Uncertain significance for Cardiomyopathy. Last evaluated: 2025-08-17. Review status: criteria provided, single submitter. Criteria: ACMG Guidelines, 2015. Collection method: clinical testing. Allele origin: germline.
Comment: This missense variant replaces methionine with arginine at codon 1174 of the RYR2 protein. Computational prediction suggests that this variant may not impact protein structure and function. To our knowledge, functional studies have not been reported for this variant. This variant has not been reported in individuals affected with RYR2-related disorders in the literature. This variant has been identified in 1/249136 chromosomes in the general population by the Genome Aggregation Database (gnomAD). The available evidence is insufficient to determine the role of this variant in disease conclusively. Therefore, this variant is classified as a Variant of Uncertain Significance.

Labcorp Genetics (formerly Invitae), Labcorp
Classification: Likely benign for Catecholaminergic polymorphic ventricular tachycardia 1. Last evaluated: 2024-10-29. Review status: criteria provided, single submitter. Criteria: Invitae Variant Classification Sherloc (09022015). Collection method: clinical testing. Allele origin: germline.